The following is an entry in ClinVar:

NM_001197104.2(KMT2A):c.103G>A (p.Val35Ile)

Gene: KMT2A (lysine methyltransferase 2A; plus strand). Cytogenetic location: 11q23.3.
Variant type: single nucleotide variant.
Coding change: c.103G>A on transcript NM_001197104.2 (MANE Select); coding-DNA position 103, G replaced by A.
Protein change: p.Val35Ile; replaces valine 35 with isoleucine.
Molecular consequence: missense variant.
Genome position (GRCh38, 1-based): chr11:118,436,615, G>A. VCF-style: chr11-118436615-G-A. GRCh37 (hg19) VCF-style: chr11-118307330-G-A.
Other names: c.103G>A, p.Val35Ile (NM_001412597.1, NM_005933.4); short protein forms V35I.
Identifiers: ClinVar variation 2168186 (VCV002168186.4), dbSNP rs2134152567, ClinGen allele CA382797207.

ClinVar aggregate classification (germline): Uncertain significance (1 of 4 stars; one submission).

gnomAD v4.1: 2 of 1,159,774 alleles (0.00017%); highest among the groups gnomAD compares: Non-Finnish European, 0.00021%; no homozygotes.

Submission:

Labcorp Genetics (formerly Invitae), Labcorp
Classification: Uncertain significance. Last evaluated: 2025-11-24. Review status: criteria provided, single submitter. Criteria: Invitae Variant Classification Sherloc (09022015). Collection method: clinical testing. Allele origin: germline.
Comment: This sequence change replaces valine, which is neutral and non-polar, with isoleucine, which is neutral and non-polar, at codon 35 of the KMT2A protein (p.Val35Ile). The frequency data for this variant in the population databases is considered unreliable, as metrics indicate insufficient coverage at this position in the gnomAD database. This variant has not been reported in the literature in individuals affected with KMT2A-related conditions. ClinVar contains an entry for this variant (Variation ID: 2168186). Invitae Evidence Modeling of protein sequence and biophysical properties (such as structural, functional, and spatial information, amino acid conservation, physicochemical variation, residue mobility, and thermodynamic stability) has been performed for this missense variant. However, the output from this modeling did not meet the statistical confidence thresholds required to predict the impact of this variant on KMT2A protein function. In summary, the available evidence is currently insufficient to determine the role of this variant in disease. Therefore, it has been classified as a Variant of Uncertain Significance.